The following is an entry in ClinVar:

ClinVar aggregate classification (germline): Conflicting classifications of pathogenicity. Review status: criteria provided, conflicting classifications (1 of 4 stars). 5 submissions from 5 submitters: Uncertain significance (4); Likely benign (1). Last evaluated 2025-07-13.

Conditions:
Becker muscular dystrophy (BMD). Also called: MUSCULAR DYSTROPHY, PSEUDOHYPERTROPHIC PROGRESSIVE, BECKER TYPE; Becker Muscular Dystrophy (BMD). Identifiers: Orphanet 98895, MedGen C0917713, MONDO:0010311, OMIM 300376.
Dilated cardiomyopathy 3B (CMD3B). Also called: CMD3B: DMD-Related Dilated Cardiomyopathy; CARDIOMYOPATHY, DILATED, X-LINKED; DMD-Associated Dilated Cardiomyopathy. Identifiers: Orphanet 154, MedGen C3668940, MONDO:0010542, OMIM 302045.
Duchenne muscular dystrophy (DMD). Also called: MUSCULAR DYSTROPHY, PSEUDOHYPERTROPHIC PROGRESSIVE, DUCHENNE TYPE; Duchenne Muscular Dystrophy (DMD). Identifiers: Orphanet 98896, MedGen C0013264, MONDO:0010679, OMIM 310200.

Allele frequency attached by ClinVar (database versions not stated): gnomAD exomes 0.00001 and 0.00003; ExAC 0.00002; TOPMed 0.00002.
gnomAD v4.1: 5 of 1,207,472 alleles (0.00041%); highest among the groups gnomAD compares: Admixed American, 0.0088%; no homozygotes.

Submissions (5):

Labcorp Genetics (formerly Invitae), Labcorp
Classification: Likely benign for Duchenne muscular dystrophy. Last evaluated: 2025-07-13. Review status: criteria provided, single submitter. Criteria: Invitae Variant Classification Sherloc (09022015). Collection method: clinical testing. Allele origin: germline.

ARUP Laboratories, Molecular Genetics and Genomics, ARUP Laboratories
Classification: Uncertain significance. Last evaluated: 2023-04-20. Review status: criteria provided, single submitter. Criteria: ARUP Molecular Germline Variant Investigation Process 2024. Collection method: clinical testing. Allele origin: germline.
Comment: The DMD c.8239G>A; p.Ala2747Thr variant (rs772732788), to our knowledge, is not reported in the medical literature but is reported in ClinVar (Variation ID: 409922). This variant is found in the general population with an overall allele frequency of 0.003% (5/172667 alleles, including 2 hemizygotes) in the Genome Aggregation Database. Computational analyses predict that this variant is neutral (REVEL: 0.013). Due to limited information, the clinical significance of this variant is uncertain at this time.

Fulgent Genetics
Classification: Uncertain significance for Becker muscular dystrophy; Dilated cardiomyopathy 3B; Duchenne muscular dystrophy. Last evaluated: 2021-08-18. Review status: criteria provided, single submitter. Criteria: ACMG Guidelines, 2015. Collection method: clinical testing. Allele origin: unknown.

Revvity Omics, Revvity
Classification: Uncertain significance. Last evaluated: 2021-08-09. Review status: criteria provided, single submitter. Criteria: ACMG Guidelines, 2015. Collection method: clinical testing. Allele origin: germline.

Eurofins Ntd Llc (ga)
Classification: Uncertain significance. Last evaluated: 2016-09-27. Review status: criteria provided, single submitter. Criteria: EGL Classification Definitions 2015. Collection method: clinical testing. Allele origin: germline. Observed: 1 variant allele, 1 heterozygote.

NM_004006.3(DMD):c.8239G>A (p.Ala2747Thr)

Gene: DMD (dystrophin; minus strand). Cytogenetic location: Xp21.1.
Variant type: single nucleotide variant.
Coding change: c.8239G>A on transcript NM_004006.3 (MANE Select); coding-DNA position 8239, G replaced by A.
Protein change: p.Ala2747Thr; replaces alanine 2747 with threonine.
Molecular consequence: missense variant.
Genome position (GRCh38, 1-based): chrX:31,507,432, C>T on the plus strand (G>A on the coding strand, the complement: DMD is on the minus strand). VCF-style: chrX-31507432-C-T. GRCh37 (hg19) VCF-style: chrX-31525549-C-T.
Other names: c.8215G>A, p.Ala2739Thr (NM_000109.4); c.8227G>A, p.Ala2743Thr (NM_004009.3); c.7870G>A, p.Ala2624Thr (NM_004010.3); c.4216G>A, p.Ala1406Thr (NM_004011.4); c.4207G>A, p.Ala1403Thr (NM_004012.4); c.859G>A, p.Ala287Thr (NM_004013.3, NM_004020.4, NM_004021.3 and 2 more transcripts); c.52G>A, p.Ala18Thr (NM_004014.3); short protein forms A2747T, A1403T, A18T, A2743T, A1406T, A2624T, A287T, A2739T.
Identifiers: ClinVar variation 409922 (VCV000409922.13), dbSNP rs772732788, ClinGen allele CA10378103.